The following is an entry in ClinVar:

ClinVar aggregate classification (germline): Uncertain significance (1 of 4 stars; one submission).

Conditions:
Neuronal ceroid lipofuscinosis. Also called: Neuronal Ceroid Lipofuscinoses. Identifiers: Orphanet 216, Orphanet 79263, MedGen C0027877, MONDO:0016295. Disease mechanism: loss of function.

Allele frequency attached by ClinVar (database versions not stated): gnomAD exomes below 0.00001.
gnomAD v4.1: 5 of 1,612,808 alleles (0.00031%); highest among the groups gnomAD compares: Non-Finnish European, 0.00042%; no homozygotes.

Submission:

Labcorp Genetics (formerly Invitae), Labcorp
Classification: Uncertain significance for Neuronal ceroid lipofuscinosis. Last evaluated: 2021-09-01. Review status: criteria provided, single submitter. Criteria: Invitae Variant Classification Sherloc (09022015). Collection method: clinical testing. Allele origin: germline.
Comment: This sequence change replaces glutamic acid with valine at codon 246 of the CLN3 protein (p.Glu246Val). The glutamic acid residue is moderately conserved and there is a moderate physicochemical difference between glutamic acid and valine. This variant is not present in population databases (ExAC no frequency). This variant has not been reported in the literature in individuals affected with CLN3-related conditions. Algorithms developed to predict the effect of missense changes on protein structure and function are either unavailable or do not agree on the potential impact of this missense change (SIFT: "Tolerated"; PolyPhen-2: "Possibly Damaging"; Align-GVGD: "Class C0"). Algorithms developed to predict the effect of sequence changes on RNA splicing suggest that this variant may create or strengthen a splice site. In summary, the available evidence is currently insufficient to determine the role of this variant in disease. Therefore, it has been classified as a Variant of Uncertain Significance.

NM_001042432.2(CLN3):c.737A>T (p.Glu246Val)

Gene: CLN3 (CLN3 lysosomal/endosomal transmembrane protein, battenin; minus strand). Cytogenetic location: 16p12.1.
Variant type: single nucleotide variant.
Coding change: c.737A>T on transcript NM_001042432.2 (MANE Select); coding-DNA position 737, A replaced by T.
Protein change: p.Glu246Val; replaces glutamic acid 246 with valine.
Molecular consequence: missense variant.
Genome position (GRCh38, 1-based): chr16:28,484,059, T>A on the plus strand (A>T on the coding strand, the complement: CLN3 is on the minus strand). VCF-style: chr16-28484059-T-A. GRCh37 (hg19) VCF-style: chr16-28495380-T-A.
Other names: c.737A>T, p.Glu246Val (NM_000086.2); c.665A>T, p.Glu222Val (NM_001286104.2); c.437A>T, p.Glu146Val (NM_001286105.2); c.503A>T, p.Glu168Val (NM_001286109.2); c.575A>T, p.Glu192Val (NM_001286110.2); short protein forms E146V, E192V, E222V, E168V, E246V.
Identifiers: ClinVar variation 962479 (VCV000962479.7), dbSNP rs2046159849, ClinGen allele CA395344809.